The following is an entry in ClinVar:

ClinVar aggregate classification (germline): Uncertain significance (1 of 4 stars; one submission).

Conditions:
Cardiomyopathy (CMYO). Also called: Cardiomyopathies. Identifiers: Orphanet 167848, MedGen C0878544, MONDO:0004994, HP:0001638. Inheritance: Various modes of inheritance.

gnomAD v4.1: 1 of 1,614,146 alleles (0.000062%); highest among the groups gnomAD compares: Non-Finnish European, 0.000085%; no homozygotes.

Submission:

Color Diagnostics, LLC DBA Color Health
Classification: Uncertain significance for Cardiomyopathy. Last evaluated: 2025-10-03. Review status: criteria provided, single submitter. Criteria: ACMG Guidelines, 2015. Collection method: clinical testing. Allele origin: germline.
Comment: This variant causes a G to A nucleotide substitution at the +5 position of intron 5 of the MYH7 gene. To our knowledge, functional studies have not been reported for this variant. This variant has not been reported in individuals affected with MYH7-related disorders in the literature. This variant has been identified in 1/1461880 chromosomes in the general population by the Genome Aggregation Database (gnomAD). The available evidence is insufficient to determine the role of this variant in disease conclusively. Therefore, this variant is classified as a Variant of Uncertain Significance.

NM_000257.4(MYH7):c.502+5G>A

Gene: MYH7 (myosin heavy chain 7; minus strand). Cytogenetic location: 14q11.2.
Variant type: single nucleotide variant.
Coding change: c.502+5G>A on transcript NM_000257.4 (MANE Select); 5 bases into the intron after coding-DNA position 502, G replaced by A.
Molecular consequence: intron variant.
Genome position (GRCh38, 1-based): chr14:23,432,634, C>T on the plus strand (G>A on the coding strand, the complement: MYH7 is on the minus strand). VCF-style: chr14-23432634-C-T. GRCh37 (hg19) VCF-style: chr14-23901843-C-T.
Other names: c.502+5G>A (NM_001407004.1).
Identifiers: ClinVar variation 4758155 (VCV004758155.1).
Genomic context (GRCh38, chr14:23,432,634, plus strand): 5'-CCTTCTCCCTCTCCCTCCCGGCCTATCCCAGTTCCCTTCAGGAAGACCCTTCCAGGGCCT[C>T]TCACCTGTCAGCATGTACTGATAGGCGTTGTCGGAGATGGAGAAGATGTGGGGCGGGGCC-3'